The following is an entry in ClinVar:

NM_016341.4(PLCE1):c.3260del (p.Lys1087fs)

Gene: PLCE1 (phospholipase C epsilon 1; plus strand). Cytogenetic location: 10q23.33.
Variant type: Deletion.
Coding change: c.3260del on transcript NM_016341.4 (MANE Select); coding-DNA position 3260, one base deleted (A; older notation c.3260delA).
Protein change: p.Lys1087fs; shifts the reading frame from lysine 1087.
Molecular consequence: frameshift variant.
Genome position (GRCh38, 1-based): chr10:94,252,479, A deleted; the last of 5 consecutive A bases (chr10:94,252,475-94,252,479); deleting any one gives the same sequence. VCF-style (leftmost placement, unchanged base first): chr10-94252474-GA-G. GRCh37 (hg19) VCF-style: chr10-96012231-GA-G.
Other names: c.2336del, p.Lys779fs (NM_001165979.2); c.3260del, p.Lys1087fs (NM_001288989.2); short protein forms K1087fs, K779fs.
Identifiers: ClinVar variation 3242210 (VCV003242210.1), dbSNP rs2496086396.

ClinVar aggregate classification (germline): Likely pathogenic (1 of 4 stars; one submission).

Conditions:
Nephrotic syndrome, type 3 (NPHS3). Also called: NEPHROTIC SYNDROME, EARLY-ONSET, TYPE 3. Identifiers: Orphanet 656, MedGen C1853124, MONDO:0012546, OMIM 610725.

Submission:

Neuberg Centre For Genomic Medicine, NCGM
Classification: Likely pathogenic for Nephrotic syndrome, type 3. Review status: criteria provided, single submitter. Criteria: ACMG Guidelines, 2015. Collection method: clinical testing. Allele origin: germline. Inheritance: Autosomal recessive inheritance. Affected: yes.
Comment: The frameshift c.3260del(p.Lys1087ArgfsTer6) variant in PLCE1 gene has not been reported previously as a pathogenic variant nor as a benign variant, to our knowledge. This variant is novel (not in any individuals) in gnomAD Exomes and 1000 Genomes. This variant causes a frameshift starting with codon Lysine 1087, changes this amino acid to Arginine residue, and creates a premature Stop codon at position 6 of the new reading frame, denoted p.Lys1087ArgfsTer6. This variant is predicted to cause loss of normal protein function either through protein truncation or nonsense-mediated mRNA decay. Loss of function variants have been previously reported to be disease causing. For these reasons, this variant has been classified as Likely Pathogenic.